The following is an entry in ClinVar:

NM_004168.4(SDHA):c.1306T>C (p.Tyr436His)

Gene: SDHA (succinate dehydrogenase complex flavoprotein subunit A; plus strand). Cytogenetic location: 5p15.33.
Variant type: single nucleotide variant.
Coding change: c.1306T>C on transcript NM_004168.4 (MANE Select); coding-DNA position 1306, T replaced by C.
Protein change: p.Tyr436His; replaces tyrosine 436 with histidine.
Molecular consequence: missense variant.
Genome position (GRCh38, 1-based): chr5:236,473, T>C. VCF-style: chr5-236473-T-C. GRCh37 (hg19) VCF-style: chr5-236588-T-C.
Other names: c.1162T>C, p.Tyr388His (NM_001294332.2); c.1306T>C, p.Tyr436His (NM_001330758.2); short protein forms Y388H, Y436H.
Identifiers: ClinVar variation 937480 (VCV000937480.15), dbSNP rs772729820, ClinGen allele CA3173189.

ClinVar aggregate classification (germline): Uncertain significance. Review status: criteria provided, multiple submitters, no conflicts (2 of 4 stars). 2 submissions from 2 submitters: Uncertain significance (2). Last evaluated 2026-01-29.

Conditions:
Mitochondrial complex II deficiency, nuclear type 1. Also called: SUCCINATE CoQ REDUCTASE DEFICIENCY. Identifiers: Orphanet 3208, MedGen C5700310, MONDO:0100294, OMIM 252011.
Pheochromocytoma/paraganglioma syndrome 5. Also called: Paragangliomas 5; SDHA-Related Hereditary Paraganglioma-Pheochromocytoma Syndrome. Identifiers: Orphanet 29072, MedGen C3279992, MONDO:0013602, OMIM 614165.
Hereditary cancer-predisposing syndrome. Also called: Hereditary Cancer Syndrome; Neoplastic Syndromes, Hereditary; Tumor predisposition; Hereditary neoplastic syndrome. Identifiers: Orphanet 140162, MedGen C0027672, MeSH D009386, MONDO:0015356.

Allele frequency attached by ClinVar (database versions not stated): gnomAD exomes below 0.00001 and 0.00001; TOPMed below 0.00001; ExAC 0.00001; gnomAD 0.00001.
gnomAD v4.1: 7 of 1,613,804 alleles (0.00043%); highest among the groups gnomAD compares: Non-Finnish European, 0.00059%; no homozygotes.

Submissions (2):

Ambry Genetics
Classification: Uncertain significance for Hereditary cancer-predisposing syndrome. Last evaluated: 2026-01-29. Review status: criteria provided, single submitter. Criteria: Ambry Variant Classification Scheme 2023. Collection method: clinical testing. Allele origin: germline.
Comment: The p.Y436H variant (also known as c.1306T>C), located in coding exon 10 of the SDHA gene, results from a T to C substitution at nucleotide position 1306. The tyrosine at codon 436 is replaced by histidine, an amino acid with similar properties. This amino acid position is highly conserved in available vertebrate species. In addition, this alteration is predicted to be deleterious by in silico analysis. Since supporting evidence is limited at this time, the clinical significance of this alteration remains unclear.

Labcorp Genetics (formerly Invitae), Labcorp
Classification: Uncertain significance for Pheochromocytoma/paraganglioma syndrome 5; Mitochondrial complex II deficiency, nuclear type 1. Last evaluated: 2025-12-10. Review status: criteria provided, single submitter. Criteria: Invitae Variant Classification Sherloc (09022015). Collection method: clinical testing. Allele origin: germline.
Comment: This sequence change replaces tyrosine, which is neutral and polar, with histidine, which is basic and polar, at codon 436 of the SDHA protein (p.Tyr436His). This variant is not present in population databases (gnomAD no frequency). This variant has not been reported in the literature in individuals affected with SDHA-related conditions. ClinVar contains an entry for this variant (Variation ID: 937480). Invitae Evidence Modeling of protein sequence and biophysical properties (such as structural, functional, and spatial information, amino acid conservation, physicochemical variation, residue mobility, and thermodynamic stability) has been performed for this missense variant. However, the output from this modeling did not meet the statistical confidence thresholds required to predict the impact of this variant on SDHA protein function. In summary, the available evidence is currently insufficient to determine the role of this variant in disease. Therefore, it has been classified as a Variant of Uncertain Significance.